The following is an entry in ClinVar:

ClinVar aggregate classification (germline): Pathogenic/Likely pathogenic. Review status: criteria provided, multiple submitters, no conflicts (2 of 4 stars). 2 submissions from 2 submitters: Pathogenic (1); Likely pathogenic (1). Last evaluated 2024-09-09.

Conditions:
Long chain 3-hydroxyacyl-CoA dehydrogenase deficiency. Also called: Deficiency of long-chain 3-hydroxyacyl-coenzyme A dehydrogenase; LCHAD Deficiency. Identifiers: Orphanet 5, MedGen C3711645, MONDO:0012173, OMIM 609016.
Mitochondrial trifunctional protein deficiency. Identifiers: Orphanet 746, MedGen C1969443, MONDO:0012172.

Submissions (2):

Natera, Inc.
Classification: Likely pathogenic for Deficiency of long-chain 3-hydroxyacyl-coenzyme A dehydrogenase. Last evaluated: 2024-09-09. Review status: criteria provided, single submitter. Criteria: Natera Variant Classification Schema (03/2026). Collection method: clinical testing. Allele origin: germline.
Comment: The c.878dup variant in HADHA is a frameshift variant predicted to shift the reading frame beginning at codon 294 and leads to a stop codon 2 codons downstream. This variant is expected to result in nonsense mediated decay, truncation, or a dysfunctional protein product. This variant is rare in the general population with a frequency below the threshold expected for the associated phenotype(s). Given the available evidence, this variant is classified as Likely Pathogenic.

Labcorp Genetics (formerly Invitae), Labcorp
Classification: Pathogenic for Mitochondrial trifunctional protein deficiency; Long chain 3-hydroxyacyl-CoA dehydrogenase deficiency. Last evaluated: 2024-01-05. Review status: criteria provided, single submitter. Criteria: Invitae Variant Classification Sherloc (09022015). Collection method: clinical testing. Allele origin: germline.
Comment: This sequence change creates a premature translational stop signal (p.Thr294Aspfs*2) in the HADHA gene. It is expected to result in an absent or disrupted protein product. Loss-of-function variants in HADHA are known to be pathogenic (PMID: 7738175, 21103935, 21549624, 22459206). This variant is not present in population databases (gnomAD no frequency). This variant has not been reported in the literature in individuals affected with HADHA-related conditions. For these reasons, this variant has been classified as Pathogenic.

Literature cited by the submitters: PubMed 7738175 (cited by Labcorp Genetics (formerly Invitae), Labcorp); PubMed 21103935 (cited by Labcorp Genetics (formerly Invitae), Labcorp); PubMed 21549624 (cited by Labcorp Genetics (formerly Invitae), Labcorp); PubMed 22459206 (cited by Labcorp Genetics (formerly Invitae), Labcorp).

NM_000182.5(HADHA):c.878dup (p.Thr294fs)

Gene: HADHA (hydroxyacyl-CoA dehydrogenase trifunctional multienzyme complex subunit alpha; minus strand). Cytogenetic location: 2p23.3.
Variant type: Duplication.
Coding change: c.878dup on transcript NM_000182.5 (MANE Select); coding-DNA position 878, one base duplicated (A; older notation c.878dupA).
Protein change: p.Thr294fs; shifts the reading frame from threonine 294.
Molecular consequence: frameshift variant.
Genome position (GRCh38, 1-based): chr2:26,214,483, T duplicated on the plus strand (A on the coding strand, the reverse complement: HADHA is on the minus strand). VCF-style (leftmost placement, unchanged base first): chr2-26214482-C-CT. GRCh37 (hg19) VCF-style: chr2-26437351-C-CT.
Other names: c.878dup (NM_000182.4); short protein forms T294fs.
Identifiers: ClinVar variation 2921965 (VCV002921965.4), dbSNP rs2465560313, ClinGen allele CA2576696916.